The following is an entry in ClinVar:

NM_001040108.2(MLH3):c.544C>G (p.His182Asp)

Gene: MLH3 (mutL homolog 3; minus strand). Cytogenetic location: 14q24.3.
Variant type: single nucleotide variant.
Coding change: c.544C>G on transcript NM_001040108.2 (MANE Select); coding-DNA position 544, C replaced by G.
Protein change: p.His182Asp; replaces histidine 182 with aspartic acid.
Molecular consequence: missense variant.
Genome position (GRCh38, 1-based): chr14:75,049,112, G>C on the plus strand (C>G on the coding strand, the complement: MLH3 is on the minus strand). VCF-style: chr14-75049112-G-C. GRCh37 (hg19) VCF-style: chr14-75515815-G-C.
Other names: c.544C>G, p.His182Asp (NM_014381.3); short protein forms H182D.
Identifiers: ClinVar variation 3873515 (VCV003873515.1).

ClinVar aggregate classification (germline): Uncertain significance (1 of 4 stars; one submission).

Submission:

Ambry Genetics
Classification: Uncertain significance. Last evaluated: 2025-02-05. Review status: criteria provided, single submitter. Criteria: Ambry Variant Classification Scheme 2023. Collection method: clinical testing. Allele origin: germline.
Comment: The p.H182D variant (also known as c.544C>G), located in coding exon 1 of the MLH3 gene, results from a C to G substitution at nucleotide position 544. The histidine at codon 182 is replaced by aspartic acid, an amino acid with similar properties. This amino acid position is conserved. In addition, this alteration is predicted to be deleterious by in silico analysis. Based on the available evidence, the clinical significance of this variant remains unclear.